The following is an entry in ClinVar:

ClinVar aggregate classification (germline): Uncertain significance (1 of 4 stars; one submission).

Conditions:
Spinocerebellar ataxia, autosomal recessive, with axonal neuropathy 2 (SCAN2). Also called: Ataxia with Oculomotor Apraxia; ATAXIA-OCULOMOTOR APRAXIA 2; Ataxia-ocular apraxia-2; Ataxia with Oculomotor Apraxia Type 2. Identifiers: Orphanet 64753, MedGen C1853761, MONDO:0018996, OMIM 606002.

Submission:

Kariminejad - Najmabadi Pathology & Genetics Center
Classification: Uncertain significance for Spinocerebellar ataxia, autosomal recessive, with axonal neuropathy 2. Last evaluated: 2023-10-07. Review status: criteria provided, single submitter. Criteria: ACMG Guidelines, 2015. Collection method: clinical testing. Allele origin: germline. Inheritance: Autosomal recessive inheritance. Affected: yes.
Comment: PM2,PP3

NM_015046.7(SETX):c.7173A>C (p.Arg2391Ser)

Gene: SETX (senataxin; minus strand). Cytogenetic location: 9q34.13.
Variant type: single nucleotide variant.
Coding change: c.7173A>C on transcript NM_015046.7 (MANE Select); coding-DNA position 7173, A replaced by C.
Protein change: p.Arg2391Ser; replaces arginine 2391 with serine.
Molecular consequence: missense variant.
Genome position (GRCh38, 1-based): chr9:132,271,736, T>G on the plus strand (A>C on the coding strand, the complement: SETX is on the minus strand). VCF-style: chr9-132271736-T-G. GRCh37 (hg19) VCF-style: chr9-135147123-T-G.
Other names: c.7173A>C, p.Arg2391Ser (NM_001351527.2, NM_001351528.2); short protein forms R2391S.
Identifiers: ClinVar variation 3896990 (VCV003896990.1).
Genomic context (GRCh38, chr9:132,271,736, plus strand): 5'-CAAGTATAAAAGAGCAACAATGACAGTAACTCACCCAATTGAACCTTGGATGCTATTTGC[T>G]CTGACACACGTAACAATAACACAATCCTTCTGCCGACCCTGGAATGCATCCACAGTGTCT-3'
Protein context (NP_055861.3, residues 2381-2401): QKDCVIVTCV[Arg2391Ser]ANSIQGSIGF